The following is an entry in ClinVar:

NM_206933.4(USH2A):c.12895A>C (p.Arg4299=)

Gene: USH2A (usherin; minus strand). Cytogenetic location: 1q41.
Variant type: single nucleotide variant.
Coding change: c.12895A>C on transcript NM_206933.4 (MANE Select); coding-DNA position 12895, A replaced by C.
Protein change: p.Arg4299=; no amino-acid change (arginine 4299 retained).
Molecular consequence: synonymous variant.
Genome position (GRCh38, 1-based): chr1:215,675,016, T>G on the plus strand (A>C on the coding strand, the complement: USH2A is on the minus strand). VCF-style: chr1-215675016-T-G. GRCh37 (hg19) VCF-style: chr1-215848358-T-G.
Identifiers: ClinVar variation 666776 (VCV000666776.14), dbSNP rs1197075904, ClinGen allele CA423428223.
Genomic context (GRCh38, chr1:215,675,016, plus strand): 5'-TGTAATTGAAAGTCACAGGATCAAAGCTAAAAGGATAGAGCATTTCATTCCTTTGAAGCC[T>G]ATAGGACTGGATAATACCATTAGACTGTTCTGGTGGGATCCAGGAAATCAGCAGTTTTTG-3'
Protein context (NP_996816.3, residues 4289-4309): EQSNGIIQSY[Arg4299=]LQRNEMLYPF

ClinVar aggregate classification (germline): Likely benign. Review status: criteria provided, multiple submitters, no conflicts (2 of 4 stars). 4 submissions from 3 submitters: Likely benign (4). Last evaluated 2025-11-22.

Conditions:
Retinitis pigmentosa 39 (RP39). Identifiers: Orphanet 791, MedGen C3151138, MONDO:0013436, OMIM 613809.
Usher syndrome type 2A. Also called: RETINAL DISEASE IN USHER SYNDROME TYPE IIA, MODIFIER OF; USHER SYNDROME, TYPE IIA. Identifiers: Orphanet 231178, Orphanet 886, MedGen C1848634, MONDO:0010169, OMIM 276901.

Allele frequency attached by ClinVar (database versions not stated): gnomAD exomes below 0.00001 and 0.00001; TOPMed 0.00003; gnomAD 0.00004.
gnomAD v4.1: 12 of 1,614,086 alleles (0.00074%); highest among the groups gnomAD compares: African/African-American, 0.013%; no homozygotes.

Submissions (4):

Labcorp Genetics (formerly Invitae), Labcorp
Classification: Likely benign. Last evaluated: 2025-11-22. Review status: criteria provided, single submitter. Criteria: Invitae Variant Classification Sherloc (09022015). Collection method: clinical testing. Allele origin: germline.

Genome-Nilou Lab
Classification: Likely benign for Retinitis pigmentosa 39. Last evaluated: 2023-11-04. Review status: criteria provided, single submitter. Criteria: ACMG Guidelines, 2015. Collection method: clinical testing. Allele origin: germline. Affected: no.

Genome-Nilou Lab
Classification: Likely benign for Usher syndrome type 2A. Last evaluated: 2023-11-04. Review status: criteria provided, single submitter. Criteria: ACMG Guidelines, 2015. Collection method: clinical testing. Allele origin: germline. Affected: no.

Laboratory for Molecular Medicine, Mass General Brigham Personalized Medicine
Classification: Likely benign. Last evaluated: 2019-01-30. Review status: criteria provided, single submitter. Criteria: LMM Criteria. Collection method: clinical testing. Allele origin: germline. Observed: 1 variant allele.
Comment: The p.Arg4299Arg variant in USH2A is classified as likely benign because it does not alter an amino acid residue, it is not located within the splice consensus sequence, and splice prediction algorithms do not predict a newly created splice site. ACMG/AMP Criteria applied: BP4, BP7